The following is an entry in ClinVar:

ClinVar aggregate classification (germline): Uncertain significance (1 of 4 stars; one submission).

Conditions:
Cranioectodermal dysplasia 1 (CED1). Also called: LEVIN SYNDROME I. Identifiers: Orphanet 1515, MedGen C0432235, MONDO:0021093, OMIM 218330.

Allele frequency attached by ClinVar (database versions not stated): gnomAD exomes below 0.00001.
gnomAD v4.1: 1 of 1,602,676 alleles (0.000062%); highest among the groups gnomAD compares: East Asian, 0.0022%; no homozygotes.

Submission:

Labcorp Genetics (formerly Invitae), Labcorp
Classification: Uncertain significance for Cranioectodermal dysplasia 1. Last evaluated: 2025-04-17. Review status: criteria provided, single submitter. Criteria: Invitae Variant Classification Sherloc (09022015). Collection method: clinical testing. Allele origin: germline.
Comment: This sequence change falls in intron 2 of the IFT122 gene. It does not directly change the encoded amino acid sequence of the IFT122 protein. It affects a nucleotide within the consensus splice site. This variant is not present in population databases (gnomAD no frequency). This variant has not been reported in the literature in individuals affected with IFT122-related conditions. ClinVar contains an entry for this variant (Variation ID: 1396543). Variants that disrupt the consensus splice site are a relatively common cause of aberrant splicing (PMID: 17576681, 9536098). Algorithms developed to predict the effect of sequence changes on RNA splicing suggest that this variant is not likely to affect RNA splicing. In summary, the available evidence is currently insufficient to determine the role of this variant in disease. Therefore, it has been classified as a Variant of Uncertain Significance.

Literature cited by the submitters: PubMed 17576681; PubMed 9536098.

NM_052989.3(IFT122):c.108+4G>A

Gene: IFT122 (intraflagellar transport 122; plus strand). Cytogenetic location: 3q21.3.
Variant type: single nucleotide variant.
Coding change: c.108+4G>A on transcript NM_052989.3 (MANE Select); 4 bases into the intron after coding-DNA position 108, G replaced by A.
Molecular consequence: intron variant.
Genome position (GRCh38, 1-based): chr3:129,449,941, G>A. VCF-style: chr3-129449941-G-A. GRCh37 (hg19) VCF-style: chr3-129168784-G-A.
Other names: c.-494+4G>A (NM_001280545.2); c.108+4G>A (NM_052985.4, NM_001280541.2, NM_018262.4 and 1 more transcripts); c.-264+4G>A (NM_001280546.2).
Identifiers: ClinVar variation 1396543 (VCV001396543.6), dbSNP rs1559838129, ClinGen allele CA1401187065.